The following is an entry in ClinVar:

ClinVar aggregate classification (germline): Likely benign. Review status: criteria provided, multiple submitters, no conflicts (2 of 4 stars). 2 submissions from 2 submitters: Likely benign (2). Last evaluated 2025-12-22.

Allele frequency attached by ClinVar (database versions not stated): ExAC 0.00002; gnomAD 0.00002.
gnomAD v4.1: 48 of 1,611,612 alleles (0.003%); highest among the groups gnomAD compares: East Asian, 0.029%; no homozygotes.

Submissions (2):

Labcorp Genetics (formerly Invitae), Labcorp
Classification: Likely benign. Last evaluated: 2025-12-22. Review status: criteria provided, single submitter. Criteria: Invitae Variant Classification Sherloc (09022015). Collection method: clinical testing. Allele origin: germline.

CeGaT Center for Human Genetics Tuebingen
Classification: Likely benign. Last evaluated: 2022-03-01. Review status: criteria provided, single submitter. Criteria: CeGaT Center For Human Genetics Tuebingen Variant Classification Criteria Version 2. Collection method: clinical testing. Allele origin: germline. Affected: yes. Observed: 1 variant allele.
Comment: SMARCA2: BP4, BP7

NM_003070.5(SMARCA2):c.1968C>T (p.Thr656=)

Gene: SMARCA2 (SWI/SNF related BAF chromatin remodeling complex subunit ATPase 2; plus strand). Cytogenetic location: 9p24.3.
Variant type: single nucleotide variant.
Coding change: c.1968C>T on transcript NM_003070.5 (MANE Select); coding-DNA position 1968, C replaced by T.
Protein change: p.Thr656=; no amino-acid change (threonine 656 retained).
Molecular consequence: synonymous variant.
Genome position (GRCh38, 1-based): chr9:2,076,261, C>T. VCF-style: chr9-2076261-C-T. GRCh37 (hg19) VCF-style: chr9-2076261-C-T.
Other names: c.1968C>T, p.Thr656= (NM_001289396.2, NM_001289397.2, NM_139045.4).
Identifiers: ClinVar variation 2659033 (VCV002659033.26), dbSNP rs778552092, ClinGen allele CA4963335.